The following is an entry in ClinVar:

ClinVar aggregate classification (germline): Conflicting classifications of pathogenicity. Review status: criteria provided, conflicting classifications (1 of 4 stars). 2 submissions from 2 submitters: Uncertain significance (1); Likely benign (1). Last evaluated 2023-02-07.

Conditions:
Diffuse cerebral and cerebellar atrophy - intractable seizures - progressive microcephaly syndrome. Also called: Microcephaly, progressive, with seizures and cerebral and cerebellar atrophy. Identifiers: Orphanet 404437, MedGen C4014239, MONDO:0014335, OMIM 615760.

Allele frequency attached by ClinVar (database versions not stated): TOPMed below 0.00001; gnomAD 0.00001; gnomAD exomes 0.00002; ExAC 0.00003.

Submissions (2):

Blueprint Genetics
Classification: Likely benign. Last evaluated: 2023-02-07. Review status: criteria provided, single submitter. Criteria: ACMG Guidelines, 2015. Collection method: clinical testing. Allele origin: germline.

Labcorp Genetics (formerly Invitae), Labcorp
Classification: Uncertain significance for Diffuse cerebral and cerebellar atrophy - intractable seizures - progressive microcephaly syndrome. Last evaluated: 2022-05-14. Review status: criteria provided, single submitter. Criteria: Invitae Variant Classification Sherloc (09022015). Collection method: clinical testing. Allele origin: germline.
Comment: This sequence change replaces asparagine, which is neutral and polar, with serine, which is neutral and polar, at codon 295 of the QARS protein (p.Asn295Ser). This variant is present in population databases (rs540036773, gnomAD 0.005%). This variant has not been reported in the literature in individuals affected with QARS-related conditions. Algorithms developed to predict the effect of missense changes on protein structure and function output the following: SIFT: "Tolerated"; PolyPhen-2: "Benign"; Align-GVGD: "Class C0". The serine amino acid residue is found in multiple mammalian species, which suggests that this missense change does not adversely affect protein function. Algorithms developed to predict the effect of sequence changes on RNA splicing suggest that this variant may create or strengthen a splice site. In summary, the available evidence is currently insufficient to determine the role of this variant in disease. Therefore, it has been classified as a Variant of Uncertain Significance.

NM_005051.3(QARS1):c.884A>G (p.Asn295Ser)

Gene: QARS1 (glutaminyl-tRNA synthetase 1; minus strand). Cytogenetic location: 3p21.31.
Variant type: single nucleotide variant.
Coding change: c.884A>G on transcript NM_005051.3 (MANE Select); coding-DNA position 884, A replaced by G.
Protein change: p.Asn295Ser; replaces asparagine 295 with serine.
Molecular consequence: missense variant. On other transcripts: non-coding transcript variant (1).
Genome position (GRCh38, 1-based): chr3:49,100,667, T>C on the plus strand (A>G on the coding strand, the complement: QARS1 is on the minus strand). VCF-style: chr3-49100667-T-C. GRCh37 (hg19) VCF-style: chr3-49138100-T-C.
Other names: c.851A>G, p.Asn284Ser (NM_001272073.2); short protein forms N295S, N284S.
Identifiers: ClinVar variation 2194906 (VCV002194906.2), dbSNP rs540036773, ClinGen allele CA2391948.